The following is an entry in ClinVar:

NM_005591.4(MRE11):c.1282A>G (p.Arg428Gly)

Gene: MRE11 (MRE11 double strand break repair nuclease; minus strand). Cytogenetic location: 11q21.
Variant type: single nucleotide variant.
Coding change: c.1282A>G on transcript NM_005591.4 (MANE Select); coding-DNA position 1282, A replaced by G.
Protein change: p.Arg428Gly; replaces arginine 428 with glycine.
Molecular consequence: missense variant.
Genome position (GRCh38, 1-based): chr11:94,460,980, T>C on the plus strand (A>G on the coding strand, the complement: MRE11 is on the minus strand). VCF-style: chr11-94460980-T-C. GRCh37 (hg19) VCF-style: chr11-94194146-T-C.
Other names: c.1282A>G, p.Arg428Gly (NM_001330347.2, NM_005590.4); short protein forms R428G.
Identifiers: ClinVar variation 407888 (VCV000407888.10), dbSNP rs1060501787, ClinGen allele CA16613705.
Genomic context (GRCh38, chr11:94,460,980, plus strand): 5'-AACTGTAAGAAATTACCTTCTCTGCGGTTTGAAAGTACTGTTTTACAAGATCTTCTACCC[T>C]TAAAGTTGTTCCTTCTGAAGGCTTTGTGATAAGTTTCCCAAAGTTGATCTCTTCTCCTAG-3'
Protein context (NP_005582.1, residues 418-438): ITKPSEGTTL[Arg428Gly]VEDLVKQYFQ

ClinVar aggregate classification (germline): Uncertain significance (1 of 4 stars; one submission).

Conditions:
Ataxia-telangiectasia-like disorder (ATLD). Identifiers: MedGen C1858391, MONDO:0011457.

Submission:

Labcorp Genetics (formerly Invitae), Labcorp
Classification: Uncertain significance for Ataxia-telangiectasia-like disorder. Last evaluated: 2016-11-21. Review status: criteria provided, single submitter. Criteria: Invitae Variant Classification Sherloc (09022015). Collection method: clinical testing. Allele origin: germline.
Comment: In summary, this variant is a novel missense change with uncertain impact on protein function. It has been classified as a Variant of Uncertain Significance. This sequence change replaces arginine with glycine at codon 428 of the MRE11A protein (p.Arg428Gly). The arginine residue is highly conserved and there is a moderate physicochemical difference between arginine and glycine. This variant is not present in population databases (ExAC no frequency) and has not been reported in the literature in individuals with a MRE11A-related disease. Algorithms developed to predict the effect of missense changes on protein structure and function do not agree on the potential impact of this missense change (SIFT: "Deleterious"; PolyPhen-2: "Possibly Damaging"; Align-GVGD: "Class C0").